The following is an entry in ClinVar:

NM_020461.4(TUBGCP6):c.2693A>T (p.Asp898Val)

Gene: TUBGCP6 (tubulin gamma complex component 6; minus strand). Cytogenetic location: 22q13.33.
Variant type: single nucleotide variant.
Coding change: c.2693A>T on transcript NM_020461.4 (MANE Select); coding-DNA position 2693, A replaced by T.
Protein change: p.Asp898Val; replaces aspartic acid 898 with valine.
Molecular consequence: missense variant.
Genome position (GRCh38, 1-based): chr22:50,221,666, T>A on the plus strand (A>T on the coding strand, the complement: TUBGCP6 is on the minus strand). VCF-style: chr22-50221666-T-A. GRCh37 (hg19) VCF-style: chr22-50660095-T-A.
Other names: short protein forms D898V.
Identifiers: ClinVar variation 2109547 (VCV002109547.4), dbSNP rs753517434, ClinGen allele CA10308140.
Genomic context (GRCh38, chr22:50,221,666, plus strand): 5'-AGGAGAGGGACCATGCCAGTCTGCACGGACGGCTCAGCCCCTGGGCCCACAGGTAGGAAG[T>A]CTCCAATGCTGAGGCTGTCAGAGAAGGGTCTGGCCCCCTCCGCCTGCTGCAGCCCCCTGC-3'
Protein context (NP_065194.3, residues 888-908): RPFSDSLSIG[Asp898Val]FLPVGPGAEP

ClinVar aggregate classification (germline): Uncertain significance (1 of 4 stars; one submission).

Allele frequency attached by ClinVar (database versions not stated): ExAC 0.00001; gnomAD 0.00001; TOPMed 0.00001.
gnomAD v4.1: 2 of 1,518,680 alleles (0.00013%); highest among the groups gnomAD compares: African/African-American, 0.0028%; no homozygotes.

Submission:

Labcorp Genetics (formerly Invitae), Labcorp
Classification: Uncertain significance. Last evaluated: 2023-10-03. Review status: criteria provided, single submitter. Criteria: Invitae Variant Classification Sherloc (09022015). Collection method: clinical testing. Allele origin: germline.
Comment: This sequence change replaces aspartic acid, which is acidic and polar, with valine, which is neutral and non-polar, at codon 898 of the TUBGCP6 protein (p.Asp898Val). This variant is present in population databases (rs753517434, gnomAD 0.007%). This variant has not been reported in the literature in individuals affected with TUBGCP6-related conditions. ClinVar contains an entry for this variant (Variation ID: 2109547). An algorithm developed to predict the effect of missense changes on protein structure and function (PolyPhen-2) suggests that this variant is likely to be tolerated. In summary, the available evidence is currently insufficient to determine the role of this variant in disease. Therefore, it has been classified as a Variant of Uncertain Significance.